The following is an entry in ClinVar:

NM_181703.4(GJA5):c.199G>T (p.Asp67Tyr)

Gene: GJA5 (gap junction protein alpha 5; minus strand). Cytogenetic location: 1q21.2.
Variant type: single nucleotide variant.
Coding change: c.199G>T on transcript NM_181703.4 (MANE Select); coding-DNA position 199, G replaced by T.
Protein change: p.Asp67Tyr; replaces aspartic acid 67 with tyrosine.
Molecular consequence: missense variant.
Genome position (GRCh38, 1-based): chr1:147,759,040, C>A on the plus strand (G>T on the coding strand, the complement: GJA5 is on the minus strand). VCF-style: chr1-147759040-C-A. GRCh37 (hg19) VCF-style: chr1-147231148-C-A.
Other names: c.199G>T, p.Asp67Tyr (NM_005266.7); short protein forms D67Y.
Identifiers: ClinVar variation 664564 (VCV000664564.1), dbSNP rs150906806, ClinGen allele CA342397805.
Genomic context (GRCh38, chr1:147,759,040, plus strand): 5'-TGGAGACGAAGATGATCTGCAGCACCCAGTAGCGAATGTGGGAGATGGGGAAAGCCTGGT[C>A]GTAGCAGACATTCTGGCAGCCAGGCTGAATCGTATCACACCGGAAATCAGCCTGCTCATC-3'
Protein context (NP_859054.1, residues 57-77): IQPGCQNVCY[Asp67Tyr]QAFPISHIRY

ClinVar aggregate classification (germline): Uncertain significance (1 of 4 stars; one submission).

Conditions:
Atrial standstill 1 (ATRST1). Also called: Atrial standstill, digenic (GJA5/SCN5A); ATRIAL CARDIOMYOPATHY WITH HEART BLOCK; CARDIOMYOPATHY, FAMILIAL, WITH CONDUCTION DISTURBANCE. Identifiers: Orphanet 1344, MedGen C4551959, MONDO:0007171, OMIM 108770.
Atrial fibrillation, familial, 11 (ATFB11). Identifiers: MedGen C3279693, MONDO:0013544, OMIM 614049.

Submission:

Labcorp Genetics (formerly Invitae), Labcorp
Classification: Uncertain significance for Atrial fibrillation, familial, 11; Cardiomyopathy, Familial, with Conduction Disturbance. Last evaluated: 2018-08-08. Review status: criteria provided, single submitter. Criteria: Invitae Variant Classification Sherloc (09022015). Collection method: clinical testing. Allele origin: germline.
Comment: This sequence change replaces aspartic acidÂ¬â€ withÂ¬â€ tyrosineÂ¬â€ at codon 67 of the GJA5 protein (p.Asp67Tyr). The aspartic acidÂ¬â€ residue is highly conserved and there is a large physicochemical difference betweenÂ¬â€ aspartic acidÂ¬â€ and tyrosine. This variant is not present in population databases (ExAC no frequency). This variant has not been reported in the literature in individuals with GJA5-related disease. Algorithms developed to predict the effect of missense changes on protein structure and function are either unavailable or do not agree on the potential impact of this missense change (SIFT: "Not Available"; PolyPhen-2: "Probably Damaging"; Align-GVGD: "Not Available"). In summary, the available evidence is currently insufficient to determine the role of this variant in disease. Therefore, it has been classified as a Variant of Uncertain Significance.